The following is an entry in ClinVar:

NC_000023.10:g.(?_32235013)_(32328413_?)del

Gene: DMD (dystrophin; minus strand). Cytogenetic location: Xp21.1.
Variant type: Deletion.
Identifiers: ClinVar variation 2424834 (VCV002424834.2).

ClinVar aggregate classification (germline): Pathogenic (1 of 4 stars; one submission).

Conditions:
Duchenne muscular dystrophy (DMD). Also called: Duchenne Muscular Dystrophy (DMD); MUSCULAR DYSTROPHY, PSEUDOHYPERTROPHIC PROGRESSIVE, DUCHENNE TYPE. Identifiers: Orphanet 98896, MedGen C0013264, MONDO:0010679, OMIM 310200.

Submission:

Labcorp Genetics (formerly Invitae), Labcorp
Classification: Pathogenic for Duchenne muscular dystrophy. Last evaluated: 2021-12-21. Review status: criteria provided, single submitter. Criteria: Invitae Variant Classification Sherloc (09022015). Collection method: clinical testing. Allele origin: germline.
Comment: This variant is a gross deletion of the genomic region encompassing exon(s) 42-44 of the DMD gene. This variant would be expected to be in-frame, preserving the integrity of the reading frame. A similar copy number variant has been observed in individual(s) with Becker muscular dystrophy (PMID: 8543940). The region of the DMD gene that includes exon(s) 43-44 has been determined to be clinically significant (PMID: 1864612, 17259292). Therefore, deletions that encompass that region are likely to be disease-causing. For these reasons, this variant has been classified as Pathogenic.

Literature cited by the submitters: PubMed 8543940; PubMed 1864612; PubMed 17259292.